The following is an entry in ClinVar:

ClinVar aggregate classification (germline): Uncertain significance. Review status: criteria provided, multiple submitters, no conflicts (2 of 4 stars). 2 submissions from 2 submitters: Uncertain significance (2). Last evaluated 2022-11-24.

Conditions:
Hereditary cancer-predisposing syndrome. Also called: Neoplastic Syndromes, Hereditary; Tumor predisposition; Hereditary neoplastic syndrome; Hereditary Cancer Syndrome. Identifiers: Orphanet 140162, MedGen C0027672, MeSH D009386, MONDO:0015356.
Familial cancer of breast. Also called: BREAST CANCER, FAMILIAL; hereditary breast carcinoma; Hereditary breast cancer. Identifiers: Orphanet 227535, MedGen C0346153, MONDO:0016419, OMIM 114480. Disease mechanism: loss of function.
Fanconi anemia complementation group J. Also called: BRIP1-Related Fanconi Anemia. Identifiers: Orphanet 84, MedGen C1836860, MONDO:0012187, OMIM 609054.

Submissions (2):

Labcorp Genetics (formerly Invitae), Labcorp
Classification: Uncertain significance for Familial cancer of breast; Fanconi anemia complementation group J. Last evaluated: 2022-11-24. Review status: criteria provided, single submitter. Criteria: Invitae Variant Classification Sherloc (09022015). Collection method: clinical testing. Allele origin: germline.
Comment: In summary, the available evidence is currently insufficient to determine the role of this variant in disease. Therefore, it has been classified as a Variant of Uncertain Significance. Algorithms developed to predict the effect of missense changes on protein structure and function (SIFT, PolyPhen-2, Align-GVGD) all suggest that this variant is likely to be tolerated. This variant has not been reported in the literature in individuals affected with BRIP1-related conditions. This variant is not present in population databases (gnomAD no frequency). This sequence change replaces threonine, which is neutral and polar, with arginine, which is basic and polar, at codon 989 of the BRIP1 protein (p.Thr989Arg).

Ambry Genetics
Classification: Uncertain significance for Hereditary cancer-predisposing syndrome. Last evaluated: 2019-11-21. Review status: criteria provided, single submitter. Criteria: Ambry Variant Classification Scheme 2023. Collection method: clinical testing. Allele origin: germline.
Comment: The p.T989R variant (also known as c.2966C>G), located in coding exon 19 of the BRIP1 gene, results from a C to G substitution at nucleotide position 2966. The threonine at codon 989 is replaced by arginine, an amino acid with similar properties. This amino acid position is poorly conserved in available vertebrate species. In addition, this alteration is predicted to be tolerated by in silico analysis. Since supporting evidence is limited at this time, the clinical significance of this alteration remains unclear.

NM_032043.3(BRIP1):c.2966C>G (p.Thr989Arg)

Gene: BRIP1 (BRCA1 interacting DNA helicase 1; minus strand). Cytogenetic location: 17q23.2.
Variant type: single nucleotide variant.
Coding change: c.2966C>G on transcript NM_032043.3 (MANE Select); coding-DNA position 2966, C replaced by G.
Protein change: p.Thr989Arg; replaces threonine 989 with arginine.
Molecular consequence: missense variant.
Genome position (GRCh38, 1-based): chr17:61,684,080, G>C on the plus strand (C>G on the coding strand, the complement: BRIP1 is on the minus strand). VCF-style: chr17-61684080-G-C. GRCh37 (hg19) VCF-style: chr17-59761441-G-C.
Other names: short protein forms T989R.
Identifiers: ClinVar variation 1798217 (VCV001798217.5), dbSNP rs2144092840, ClinGen allele CA400480648.